The following is an entry in ClinVar:

NM_032228.6(FAR1):c.104C>G (p.Pro35Arg)

Gene: FAR1 (fatty acyl-CoA reductase 1; plus strand). Cytogenetic location: 11p15.3.
Variant type: single nucleotide variant.
Coding change: c.104C>G on transcript NM_032228.6 (MANE Select); coding-DNA position 104, C replaced by G.
Protein change: p.Pro35Arg; replaces proline 35 with arginine.
Molecular consequence: missense variant.
Genome position (GRCh38, 1-based): chr11:13,694,869, C>G. VCF-style: chr11-13694869-C-G. GRCh37 (hg19) VCF-style: chr11-13716416-C-G.
Other names: short protein forms P35R.
Identifiers: ClinVar variation 1717269 (VCV001717269.5), dbSNP rs1325667365, ClinGen allele CA379856112.

ClinVar aggregate classification (germline): Uncertain significance (1 of 4 stars; one submission).

Allele frequency attached by ClinVar (database versions not stated): gnomAD exomes below 0.00001; TOPMed below 0.00001.
gnomAD v4.1: 6 of 1,613,988 alleles (0.00037%); highest among the groups gnomAD compares: Non-Finnish European, 0.00051%; no homozygotes.

Submission:

Labcorp Genetics (formerly Invitae), Labcorp
Classification: Uncertain significance. Last evaluated: 2022-10-01. Review status: criteria provided, single submitter. Criteria: Invitae Variant Classification Sherloc (09022015). Collection method: clinical testing. Allele origin: germline.
Comment: In summary, the available evidence is currently insufficient to determine the role of this variant in disease. Therefore, it has been classified as a Variant of Uncertain Significance. Advanced modeling of protein sequence and biophysical properties (such as structural, functional, and spatial information, amino acid conservation, physicochemical variation, residue mobility, and thermodynamic stability) performed at Invitae indicates that this missense variant is not expected to disrupt FAR1 protein function. This variant has not been reported in the literature in individuals affected with FAR1-related conditions. This variant is present in population databases (no rsID available, gnomAD 0.0009%). This sequence change replaces proline, which is neutral and non-polar, with arginine, which is basic and polar, at codon 35 of the FAR1 protein (p.Pro35Arg).